The following is an entry in ClinVar:

NM_001063.4(TF):c.1923delinsTCGGT (p.Glu644fs)

Gene: TF (transferrin; plus strand). Cytogenetic location: 3q22.1.
Variant type: Indel.
Coding change: c.1923delinsTCGGT on transcript NM_001063.4 (MANE Select); coding-DNA position 1923, C replaced by TCGGT.
Protein change: p.Glu644fs; shifts the reading frame from glutamic acid 644.
Molecular consequence: frameshift variant.
Genome position (GRCh38, 1-based): chr3:133,777,099, C replaced by TCGGT. VCF-style: chr3-133777099-C-TCGGT. GRCh37 (hg19) VCF-style: chr3-133495943-C-TCGGT.
Other names: c.1791delinsTCGGT, p.Glu600fs (NM_001354703.2); c.1542delinsTCGGT, p.Glu517fs (NM_001354704.2); short protein forms E600fs, E517fs, E644fs.
Identifiers: ClinVar variation 5004595 (VCV005004595.1).

ClinVar aggregate classification (germline): Pathogenic (1 of 4 stars; one submission).

Conditions:
Atransferrinemia. Also called: Familial hypotransferrinemia. Identifiers: Orphanet 1195, MedGen C0521802, MONDO:0008846, OMIM 209300, HP:0012239.

Submission:

Myriad Genetics, Inc.
Classification: Pathogenic for Atransferrinemia. Last evaluated: 2026-04-10. Review status: criteria provided, single submitter. Criteria: Myriad Autosomal Dominant, Autosomal Recessive and X-Linked Classification Criteria (2023). Collection method: clinical testing. Allele origin: unknown.
Comment: NM_001063.3(TF):c.1923del1ins5(E644Vfs*11) is a frameshift variant classified as pathogenic in the context of atransferrinemia. E644Vfs*11 has not been observed in cases with relevant disease. Relevant functional assessments of this variant are not available in the literature. E644Vfs*11 has not been observed in referenced population frequency databases. In summary, NM_001063.3(TF):c.1923del1ins5(E644Vfs*11) is a frameshift variant in a gene where loss of function is a known mechanism of disease and is predicted to disrupt protein function. Please note: this variant was assessed in the context of healthy population screening.